The following is an entry in ClinVar:

NM_182641.4(BPTF):c.1090C>G (p.Leu364Val)

Gene: BPTF (bromodomain PHD finger transcription factor; plus strand). Cytogenetic location: 17q24.2.
Variant type: single nucleotide variant.
Coding change: c.1090C>G on transcript NM_182641.4 (MANE Select); coding-DNA position 1090, C replaced by G.
Protein change: p.Leu364Val; replaces leucine 364 with valine.
Molecular consequence: missense variant.
Genome position (GRCh38, 1-based): chr17:67,854,416, C>G. VCF-style: chr17-67854416-C-G. GRCh37 (hg19) VCF-style: chr17-65850532-C-G.
Other names: c.1090C>G, p.Leu364Val (NM_004459.7); short protein forms L364V.
Identifiers: ClinVar variation 3371461 (VCV003371461.1).
Genomic context (GRCh38, chr17:67,854,416, plus strand): 5'-CTTCCTTACCAAGAGGCAGAGGACTACCCATATGGACCAGTAGAGAACAAGATCAAAGTT[C>G]TACAGTTTCTAGTCGATCAGTTTCTTACAACAAATATTGCTCGAGAGGAATTGATGTCTG-3'
Protein context (NP_872579.2, residues 354-374): YGPVENKIKV[Leu364Val]QFLVDQFLTT

ClinVar aggregate classification (germline): Uncertain significance (1 of 4 stars; one submission).

Submission:

GeneDx
Classification: Uncertain significance. Last evaluated: 2024-03-25. Review status: criteria provided, single submitter. Criteria: GeneDx Variant Classification Process June 2021. Collection method: clinical testing. Allele origin: germline. Affected: yes.
Comment: Not observed at significant frequency in large population cohorts (gnomAD); In silico analysis supports that this missense variant has a deleterious effect on protein structure/function; Has not been previously published as pathogenic or benign to our knowledge